The following is an entry in ClinVar:

NM_000540.3(RYR1):c.12803_12817del (p.Ala4268_Ala4272del)

Gene: RYR1 (ryanodine receptor 1; plus strand). Cytogenetic location: 19q13.2.
Variant type: Deletion.
Coding change: c.12803_12817del on transcript NM_000540.3 (MANE Select); coding-DNA positions 12803 to 12817, 15 bases deleted (CGGAGGCGGGCGCGG).
Protein change: p.Ala4268_Ala4272del.
Molecular consequence: inframe deletion.
Genome position (GRCh38, 1-based): chr19:38,565,137-38,565,151, CGGAGGCGGGCGCGG deleted; deleting any 15 consecutive bases within chr19:38,565,127-38,565,151 gives the same sequence; the c. name uses the placement nearest the transcript's 3' end. VCF-style (leftmost placement, unchanged base first): chr19-38565126-CGCGGGCGCGGCGGAG-C. GRCh37 (hg19) VCF-style: chr19-39055766-CGCGGGCGCGGCGGAG-C.
Other names: c.12788_12802del, p.Ala4263_Ala4267del (NM_001042723.2).
Identifiers: ClinVar variation 960011 (VCV000960011.6), dbSNP rs938670458, ClinGen allele CA308109175.

ClinVar aggregate classification (germline): Uncertain significance. Review status: criteria provided, multiple submitters, no conflicts (2 of 4 stars). 4 submissions from 4 submitters: Uncertain significance (4). Last evaluated 2024-07-11.

Conditions:
Congenital multicore myopathy with external ophthalmoplegia (CMYO1B). Also called: MULTIMINICORE DISEASE WITH EXTERNAL OPHTHALMOPLEGIA; Congenital myopathy 1B, autosomal recessive; Minicore myopathy; Minicore myopathy with external ophthalmoplegia; MULTICORE MYOPATHY. Identifiers: Orphanet 598, Orphanet 98905, MedGen C1850674, MONDO:0009712, OMIM 255320, HP:0003789.
Congenital myopathy with fiber type disproportion. Also called: Congenital fiber-type disproportion; Congenital fiber-type disproportion myopathy. Identifiers: Orphanet 2020, MedGen C0546264, MONDO:0009711. Inheritance: all.
Malignant hyperthermia, susceptibility to, 1 (MHS1). Also called: RYR1-Related Malignant Hyperthermia Susceptibility; Anesthesia related hyperthermia; Malignant hyperpyrexia; Fulminating hyperpyrexia; Pharmacogenic myopathy; Malignant hyperthermia suceptibility 1. Identifiers: Orphanet 423, MedGen C2930980, MONDO:0007783, OMIM 145600.
Central core myopathy (CMYO1A). Also called: CONGENITAL MYOPATHY 1A, AUTOSOMAL DOMINANT, WITH SUSCEPTIBILITY TO MALIGNANT HYPERTHERMIA; Central core disease; Myopathy, central fibrillar. Identifiers: Orphanet 597, MedGen C5830701, MONDO:0007294, OMIM 117000.
King Denborough syndrome (KDS). Identifiers: MedGen C1840365, MONDO:0020485, OMIM 619542.
RYR1-related disorder. Also called: RYR1-related condition; RYR1-related disorders. Identifiers: MedGen CN239331.

Submissions (4):

Revvity Omics, Revvity
Classification: Uncertain significance. Last evaluated: 2024-07-11. Review status: criteria provided, single submitter. Criteria: ACMG Guidelines, 2015. Collection method: clinical testing. Allele origin: germline.

GeneDx
Classification: Uncertain significance. Last evaluated: 2023-06-22. Review status: criteria provided, single submitter. Criteria: GeneDx Variant Classification Process June 2021. Collection method: clinical testing. Allele origin: germline. Affected: yes.
Comment: In-frame deletion of 5 amino acids in a non-repeat region; In silico analysis supports that this variant does not alter protein structure/function; Has not been previously published as pathogenic or benign to our knowledge

Labcorp Genetics (formerly Invitae), Labcorp
Classification: Uncertain significance for RYR1-related disorder. Last evaluated: 2022-09-06. Review status: criteria provided, single submitter. Criteria: Invitae Variant Classification Sherloc (09022015). Collection method: clinical testing. Allele origin: germline.
Comment: This variant, c.12803_12817del, results in the deletion of 5 amino acid(s) of the RYR1 protein (p.Ala4268_Ala4272del), but otherwise preserves the integrity of the reading frame. This variant is present in population databases (no rsID available, gnomAD 0.06%). This variant has not been reported in the literature in individuals affected with RYR1-related conditions. ClinVar contains an entry for this variant (Variation ID: 960011). Experimental studies and prediction algorithms are not available or were not evaluated, and the functional significance of this variant is currently unknown. In summary, the available evidence is currently insufficient to determine the role of this variant in disease. Therefore, it has been classified as a Variant of Uncertain Significance.

Fulgent Genetics
Classification: Uncertain significance for Central core myopathy; Malignant hyperthermia, susceptibility to, 1; Congenital myopathy 4A, autosomal dominant; Congenital multicore myopathy with external ophthalmoplegia; King Denborough syndrome. Last evaluated: 2021-10-27. Review status: criteria provided, single submitter. Criteria: ACMG Guidelines, 2015. Collection method: clinical testing. Allele origin: unknown.